The following is an entry in ClinVar:

NM_001323289.2(CDKL5):c.38T>C (p.Phe13Ser)

Gene: CDKL5 (cyclin dependent kinase like 5; plus strand). Cytogenetic location: Xp22.13.
Variant type: single nucleotide variant.
Coding change: c.38T>C on transcript NM_001323289.2 (MANE Select); coding-DNA position 38, T replaced by C.
Protein change: p.Phe13Ser; replaces phenylalanine 13 with serine.
Molecular consequence: missense variant.
Genome position (GRCh38, 1-based): chrX:18,507,134, T>C. VCF-style: chrX-18507134-T-C. GRCh37 (hg19) VCF-style: chrX-18525254-T-C.
Other names: NM_001323289.2(CDKL5):c.38T>C; p.Phe13Ser; c.38T>C, p.Phe13Ser (NM_001037343.2, NM_003159.3); short protein forms F13S.
Identifiers: ClinVar variation 929426 (VCV000929426.13), dbSNP rs1922605766, ClinGen allele CA412489564.

ClinVar aggregate classification (germline): Likely pathogenic. Review status: reviewed by expert panel (3 of 4 stars). 5 submissions from 5 submitters: Likely pathogenic (1). 4 of the submissions do not count toward it. Last evaluated 2025-06-25.

Conditions:
Developmental and epileptic encephalopathy, 2 (DEE2). Also called: CDKL5 deficiency disorder; INFANTILE SPASM SYNDROME, X-LINKED 2. Identifiers: Orphanet 1934, Orphanet 3451, Orphanet 505652, MedGen C4750718, MONDO:0010396, OMIM 300672.
Angelman syndrome-like. Identifiers: MedGen CN128785.
CDKL5 disorder. Identifiers: MedGen CN296942, MONDO:0100039.

Submissions (5):

ClinGen Rett and Angelman-like Disorders Variant Curation Expert Panel
Classification: Likely pathogenic for CDKL5 disorder. Last evaluated: 2025-06-25. Review status: reviewed by expert panel. Criteria: ClinGen RettAS ACMG Specifications CDKL5 V4.1.0. Collection method: curation. Allele origin: germline. Inheritance: X-linked inheritance.
Comment: The p.Phe13Ser variant in CDKL5 is present in an individual with a clinical phenotype suggestive of CDKL5 disorder (internal database - Labcorp Genetics (formerly Invitae)) (PP4). The p.Phe13Ser variant in CDKL5 is absent from gnomAD v4.1 (PM2_Supporting). In summary, the p.Phe13Ser variant in CDKL5 is classified as likely pathogenic for CDKL5 disorder based on the ACMG/AMP criteria (PS2, PP4, PM2_Supporting). (CDKL5 Specifications v.4.1; curation approved on 06/25/2025)

Institute of Human Genetics, University of Leipzig Medical Center
Classification: Likely pathogenic for Developmental and epileptic encephalopathy, 2. Last evaluated: 2026-01-12. Review status: criteria provided, single submitter. Criteria: ACMG Guidelines, 2015. Collection method: clinical testing. Allele origin: unknown. Inheritance: X-linked dominant inheritance. Affected: yes. Not counted in ClinVar's aggregate classification.
Comment: Criteria applied: PS2,PM2_SUP,PP4, PS4_MOD

Labcorp Genetics (formerly Invitae), Labcorp
Classification: Pathogenic for Developmental and epileptic encephalopathy, 2; Angelman syndrome-like. Last evaluated: 2025-02-24. Review status: criteria provided, single submitter. Criteria: Invitae Variant Classification Sherloc (09022015). Collection method: clinical testing. Allele origin: germline. Not counted in ClinVar's aggregate classification.
Comment: This sequence change replaces phenylalanine, which is neutral and non-polar, with serine, which is neutral and polar, at codon 13 of the CDKL5 protein (p.Phe13Ser). This variant is not present in population databases (gnomAD no frequency). This missense change has been observed in individual(s) with clinical features of CDKL5-related conditions (PMID: 22872100, 31313283; internal data). In at least one individual the variant was observed to be de novo. ClinVar contains an entry for this variant (Variation ID: 929426). Invitae Evidence Modeling of protein sequence and biophysical properties (such as structural, functional, and spatial information, amino acid conservation, physicochemical variation, residue mobility, and thermodynamic stability) indicates that this missense variant is expected to disrupt CDKL5 protein function with a positive predictive value of 95%. For these reasons, this variant has been classified as Pathogenic.

Centre for Population Genomics, CPG
Classification: Likely pathogenic for CDKL5 disorder. Last evaluated: 2024-07-04. Review status: criteria provided, single submitter. Criteria: McKnight et al. (Hum Mutat. 2022). Collection method: curation. Allele origin: germline. Inheritance: X-linked inheritance. Not counted in ClinVar's aggregate classification.
Comment: This variant has been collected from RettBASE and curated to current modified ACMG/AMP criteria. Based on the classification scheme defined by the ClinGen Rett/Angelman-like Expert Panel for Rett/AS-like Disorders Specifications to the ACMG/AMP Variant Interpretation Guidelines VCEP 3.0, this variant is classified as likely pathogenic. At least the following criteria are met: This variant has been identified as a de novo occurrence in an individual with CDKL5 disorder with confirmed parental relationships (PS2, ClinGen Rett and Angelman-like Disorders VCEP). It has been identified as a de novo occurrence in an individual with CDKL5 disorder without confirmation of paternity and maternity (PM6, PMID: 31313283). This variant is absent from gnomAD (PM2_Supporting).

Laboratory of Medical Genetics, National & Kapodistrian University of Athens
Classification: Pathogenic for Developmental and epileptic encephalopathy, 2. Last evaluated: 2020-02-19. Review status: no assertion criteria provided. Collection method: clinical testing. Allele origin: de novo. Affected: yes. Not counted in ClinVar's aggregate classification.

Literature cited by the submitters: PubMed 22872100 (cited by Labcorp Genetics (formerly Invitae), Labcorp); PubMed 31313283 (cited by Labcorp Genetics (formerly Invitae), Labcorp).